The following is an entry in ClinVar:

ClinVar aggregate classification (germline): Uncertain significance. Review status: criteria provided, multiple submitters, no conflicts (2 of 4 stars). 2 submissions from 2 submitters: Uncertain significance (2). Last evaluated 2025-01-13.

Conditions:
Inborn genetic diseases. Identifiers: MedGen C0950123, MeSH D030342.
Baller-Gerold syndrome (BGS). Also called: CRANIOSYNOSTOSIS WITH RADIAL DEFECTS. Identifiers: Orphanet 1225, MedGen C0265308, MONDO:0009039, OMIM 218600.

Allele frequency attached by ClinVar (database versions not stated): TOPMed below 0.00001; gnomAD 0.00001; gnomAD exomes 0.00001.

Submissions (2):

Ambry Genetics
Classification: Uncertain significance for Inborn genetic diseases. Last evaluated: 2025-01-13. Review status: criteria provided, single submitter. Criteria: Ambry Variant Classification Scheme 2023. Collection method: clinical testing. Allele origin: germline.
Comment: The p.L369F variant (also known as c.1105C>T), located in coding exon 5 of the RECQL4 gene, results from a C to T substitution at nucleotide position 1105. The leucine at codon 369 is replaced by phenylalanine, an amino acid with highly similar properties. This amino acid position is conserved. In addition, this alteration is predicted to be tolerated by in silico analysis. Based on the available evidence, the clinical significance of this variant remains unclear.

Labcorp Genetics (formerly Invitae), Labcorp
Classification: Uncertain significance for Baller-Gerold syndrome. Last evaluated: 2023-11-04. Review status: criteria provided, single submitter. Criteria: Invitae Variant Classification Sherloc (09022015). Collection method: clinical testing. Allele origin: germline.
Comment: This sequence change replaces leucine, which is neutral and non-polar, with phenylalanine, which is neutral and non-polar, at codon 369 of the RECQL4 protein (p.Leu369Phe). This variant is not present in population databases (gnomAD no frequency). This variant has not been reported in the literature in individuals affected with RECQL4-related conditions. ClinVar contains an entry for this variant (Variation ID: 1053159). Advanced modeling of protein sequence and biophysical properties (such as structural, functional, and spatial information, amino acid conservation, physicochemical variation, residue mobility, and thermodynamic stability) has been performed at Invitae for this missense variant, however the output from this modeling did not meet the statistical confidence thresholds required to predict the impact of this variant on RECQL4 protein function. In summary, the available evidence is currently insufficient to determine the role of this variant in disease. Therefore, it has been classified as a Variant of Uncertain Significance.

NM_004260.4(RECQL4):c.1105C>T (p.Leu369Phe)

Gene: RECQL4 (RecQ like helicase 4; minus strand). Cytogenetic location: 8q24.3.
Variant type: single nucleotide variant.
Coding change: c.1105C>T on transcript NM_004260.4 (MANE Select); coding-DNA position 1105, C replaced by T.
Protein change: p.Leu369Phe; replaces leucine 369 with phenylalanine.
Molecular consequence: missense variant.
Genome position (GRCh38, 1-based): chr8:144,516,014, G>A on the plus strand (C>T on the coding strand, the complement: RECQL4 is on the minus strand). VCF-style: chr8-144516014-G-A. GRCh37 (hg19) VCF-style: chr8-145741398-G-A.
Other names: c.1105C>T (NM_004260.3); short protein forms L369F.
Identifiers: ClinVar variation 1053159 (VCV001053159.4), dbSNP rs999036216, ClinGen allele CA187688292.